The following is an entry in ClinVar:

ClinVar aggregate classification (germline): Uncertain significance (1 of 4 stars; one submission).

Conditions:
Inborn genetic diseases. Identifiers: MedGen C0950123, MeSH D030342.

Submission:

Ambry Genetics
Classification: Uncertain significance for Inborn genetic diseases. Last evaluated: 2025-08-23. Review status: criteria provided, single submitter. Criteria: Ambry Variant Classification Scheme 2023. Collection method: clinical testing. Allele origin: germline.
Comment: The p.Q442H variant (also known as c.1326G>T), located in coding exon 6 of the SH2B3 gene, results from a G to T substitution at nucleotide position 1326. The glutamine at codon 442 is replaced by histidine, an amino acid with highly similar properties. This amino acid position is conserved. In addition, this alteration is predicted to be tolerated by in silico analysis. Based on the available evidence, the clinical significance of this variant remains unclear.

NM_005475.3(SH2B3):c.1326G>T (p.Gln442His)

Gene: SH2B3 (SH2B adaptor protein 3; plus strand). Cytogenetic location: 12q24.12.
Variant type: single nucleotide variant.
Coding change: c.1326G>T on transcript NM_005475.3 (MANE Select); coding-DNA position 1326, G replaced by T.
Protein change: p.Gln442His; replaces glutamine 442 with histidine.
Molecular consequence: missense variant.
Genome position (GRCh38, 1-based): chr12:111,447,745, G>T. VCF-style: chr12-111447745-G-T. GRCh37 (hg19) VCF-style: chr12-111885549-G-T.
Other names: c.720G>T, p.Gln240His (NM_001291424.1); short protein forms Q240H, Q442H.
Identifiers: ClinVar variation 4164004 (VCV004164004.1).
Genomic context (GRCh38, chr12:111,447,745, plus strand): 5'-CCAGTGCCGTGTGCAGCACCTCCACTTTCCCTCGGTCGTGGACATGCTCCACCACTTCCA[G>T]CGCTCGCCCATCCCACTCGAGTGCGGCGCCGCCTGTGATGTCCGGCTCTCCAGCTACGTG-3'
Protein context (NP_005466.1, residues 432-452): PSVVDMLHHF[Gln442His]RSPIPLECGA